The following is an entry in ClinVar:

NM_000492.4(CFTR):c.489+4A>G

Gene: CFTR (CF transmembrane conductance regulator; plus strand). Cytogenetic location: 7q31.2.
Variant type: single nucleotide variant.
Coding change: c.489+4A>G on transcript NM_000492.4 (MANE Select); 4 bases into the intron after coding-DNA position 489, A replaced by G.
Molecular consequence: intron variant.
Genome position (GRCh38, 1-based): chr7:117,531,118, A>G. VCF-style: chr7-117531118-A-G. GRCh37 (hg19) VCF-style: chr7-117171172-A-G.
Identifiers: ClinVar variation 2577302 (VCV002577302.1), dbSNP rs2485009870, ClinGen allele CA2580617095.

ClinVar aggregate classification (germline): Uncertain significance (1 of 4 stars; one submission).

Submission:

Women's Health and Genetics/Laboratory Corporation of America, LabCorp
Classification: Uncertain significance. Last evaluated: 2023-07-03. Review status: criteria provided, single submitter. Criteria: LabCorp Variant Classification Summary - May 2015. Collection method: clinical testing. Allele origin: germline.
Comment: Variant summary: CFTR c.489+4A>G alters a conserved nucleotide located close to a canonical splice site and therefore could affect mRNA splicing, leading to a significantly altered protein sequence. Several computational tools predict a significant impact on normal splicing: Three predict the variant weakens the canonical 5' donor site. One predict the variant abolishes the canonical 5' splicing donor site. However, these predictions have yet to be confirmed by functional studies. The variant was absent in 245226 control chromosomes (gnomAD). The available data on variant occurrences in the general population are insufficient to allow any conclusion about variant significance. To our knowledge, no occurrence of c.489+4A>G in individuals affected with Cystic Fibrosis and no experimental evidence demonstrating its impact on protein function have been reported. No submitters have cited clinical-significance assessments for this variant to ClinVar after 2014. Based on the evidence outlined above, the variant was classified as uncertain significance.